The following is an entry in ClinVar:

ClinVar aggregate classification (germline): Conflicting classifications of pathogenicity. Review status: criteria provided, conflicting classifications (1 of 4 stars). 9 submissions from 9 submitters: Uncertain significance (6); Likely benign (3). Last evaluated 2026-01-27.

Conditions:
TSC2-related disorder. Also called: TSC2-related condition; TSC2-Related Disorders.
Hereditary cancer-predisposing syndrome. Also called: Neoplastic Syndromes, Hereditary; Hereditary neoplastic syndrome; Hereditary Cancer Syndrome; Tumor predisposition. Identifiers: Orphanet 140162, MedGen C0027672, MeSH D009386, MONDO:0015356.
Tuberous sclerosis syndrome (TSC). Also called: Tuberous sclerosis; Tuberous Sclerosis Complex. Identifiers: Orphanet 805, MedGen C0041341, MONDO:0001734.
Tuberous sclerosis 2 (TSC2). Identifiers: Orphanet 805, MedGen C1860707, MONDO:0013199, OMIM 613254.

Allele frequency attached by ClinVar (database versions not stated): ExAC 0.00001; TOPMed 0.00002; gnomAD 0.00003.
gnomAD v4.1: 41 of 1,607,620 alleles (0.0026%); highest among the groups gnomAD compares: Non-Finnish European, 0.0031%; no homozygotes.

Submissions (9):

Labcorp Genetics (formerly Invitae), Labcorp
Classification: Likely benign for Tuberous sclerosis 2. Last evaluated: 2026-01-27. Review status: criteria provided, single submitter. Criteria: Invitae Variant Classification Sherloc (09022015). Collection method: clinical testing. Allele origin: germline.

Color Diagnostics, LLC DBA Color Health
Classification: Likely benign for Tuberous sclerosis syndrome. Last evaluated: 2025-07-18. Review status: criteria provided, single submitter. Criteria: ACMG Guidelines, 2015. Collection method: clinical testing. Allele origin: germline.

PreventionGenetics, part of Exact Sciences
Classification: Uncertain significance for TSC2-related condition. Last evaluated: 2025-06-22. Review status: criteria provided, single submitter. Criteria: ACMG Guidelines, 2015. Collection method: clinical testing. Allele origin: germline.
Comment: The TSC2 c.4346C>T variant is predicted to result in the amino acid substitution p.Ser1449Phe. This variant was reported in a patient with breast cancer (Table S2, Chan et al. 2018. PubMed ID: 30093976). This variant is reported in 0.00080% of alleles in individuals of European (Non-Finnish) descent in gnomAD. In ClinVar this variant has conflicting interpretations of pathogenicity ranging from uncertain to likely benign. Although we suspect this variant may be benign, at this time, the clinical significance of this variant is uncertain due to the absence of conclusive functional and genetic evidence.

All of Us Research Program, National Institutes of Health
Classification: Uncertain significance for Tuberous sclerosis syndrome. Last evaluated: 2023-06-26. Review status: criteria provided, single submitter. Criteria: ACMG Guidelines, 2015. Collection method: clinical testing. Allele origin: germline. Inheritance: Autosomal dominant inheritance. Observed: 2 variant alleles, 2 heterozygotes.
Comment: This missense variant replaces serine with phenylalanine at codon 1449 of the TSC2 protein. Computational prediction suggests that this variant may not impact protein structure and function (internally defined REVEL score threshold <= 0.5, PMID: 27666373). To our knowledge, functional studies have not been reported for this variant. This variant has not been reported in individuals affected with tuberous sclerosis complex in the literature. This variant has been identified in 1/271192 chromosomes in the general population by the Genome Aggregation Database (gnomAD). The available evidence is insufficient to determine the role of this variant in disease conclusively. Therefore, this variant is classified as a Variant of Uncertain Significance.

This study involves interpretation of variants in research participants for the purpose of population health screening. Participant phenotype was not available at the time of variant classification. Additional details can be found in publication PMID: 35346344, PMCID: PMC8962531

Ambry Genetics
Classification: Likely benign for Hereditary cancer-predisposing syndrome. Last evaluated: 2022-10-18. Review status: criteria provided, single submitter. Criteria: Ambry Variant Classification Scheme 2023. Collection method: clinical testing. Allele origin: germline.

Blueprint Genetics
Classification: Uncertain significance. Last evaluated: 2021-11-10. Review status: criteria provided, single submitter. Criteria: ACMG Guidelines, 2015. Collection method: clinical testing. Allele origin: germline.

Genome-Nilou Lab
Classification: Uncertain significance for Tuberous sclerosis 2. Last evaluated: 2021-11-07. Review status: criteria provided, single submitter. Criteria: ACMG Guidelines, 2015. Collection method: clinical testing. Allele origin: germline. Affected: no.

Genetic Services Laboratory, University of Chicago
Classification: Uncertain significance. Last evaluated: 2017-03-17. Review status: criteria provided, single submitter. Criteria: ACMG Guidelines, 2015. Collection method: clinical testing. Allele origin: germline. Affected: no.

Center for Human Genetics, Inc
Classification: Uncertain significance for Tuberous sclerosis 2. Last evaluated: 2016-11-01. Review status: criteria provided, single submitter. Criteria: ACMG Guidelines, 2015. Collection method: clinical testing. Allele origin: germline. Affected: yes.

Literature cited by the submitters: PubMed 30093976 (cited by Ambry Genetics).

NM_000548.5(TSC2):c.4346C>T (p.Ser1449Phe)

Gene: TSC2 (TSC complex subunit 2; plus strand). Cytogenetic location: 16p13.3.
Variant type: single nucleotide variant.
Coding change: c.4346C>T on transcript NM_000548.5 (MANE Select); coding-DNA position 4346, C replaced by T.
Protein change: p.Ser1449Phe; replaces serine 1449 with phenylalanine.
Molecular consequence: missense variant.
Genome position (GRCh38, 1-based): chr16:2,084,568, C>T. VCF-style: chr16-2084568-C-T. GRCh37 (hg19) VCF-style: chr16-2134569-C-T.
Other names: c.4145C>T, p.Ser1382Phe (NM_001077183.3); c.4277C>T, p.Ser1426Phe (NM_001114382.3); c.4037C>T, p.Ser1346Phe (NM_001318827.2); c.4001C>T, p.Ser1334Phe (NM_001318829.2); c.3614C>T, p.Ser1205Phe (NM_001318831.2); c.4178C>T, p.Ser1393Phe (NM_001318832.2); c.4148C>T, p.Ser1383Phe (NM_001363528.2); c.4214C>T, p.Ser1405Phe (NM_001370404.1); and 2 more; short protein forms S1449F, S1334F, S1405F, S1406F, S1426F, S1205F, S1346F, S1382F.
Identifiers: ClinVar variation 238045 (VCV000238045.26), dbSNP rs759004251, ClinGen allele CA050898.